The following is an entry in ClinVar:

NM_212482.4(FN1):c.5051-1G>A

Gene: FN1 (fibronectin 1; minus strand). Cytogenetic location: 2q35.
Variant type: single nucleotide variant.
Coding change: c.5051-1G>A on transcript NM_212482.4 (MANE Select); the canonical splice acceptor site of the intron before coding-DNA position 5051, G replaced by A.
Molecular consequence: splice acceptor variant.
Genome position (GRCh38, 1-based): chr2:215,382,326, C>T on the plus strand (G>A on the coding strand, the complement: FN1 is on the minus strand). VCF-style: chr2-215382326-C-T. GRCh37 (hg19) VCF-style: chr2-216247049-C-T.
Other names: c.4778-1G>A (NM_212474.3, NM_001306132.2, NM_001365523.2 and 7 more transcripts); c.5051-1G>A (NM_001306130.2, NM_001365522.2, NM_001365519.2 and 3 more transcripts).
Identifiers: ClinVar variation 2977543 (VCV002977543.3), dbSNP rs1195701016, ClinGen allele CA350477017.

ClinVar aggregate classification (germline): Uncertain significance (1 of 4 stars; one submission).

Allele frequency attached by ClinVar (database versions not stated): gnomAD exomes 0.00001; TOPMed 0.00001.
gnomAD v4.1: 16 of 1,596,492 alleles (0.001%); highest among the groups gnomAD compares: Non-Finnish European, 0.0014%; no homozygotes.

Submission:

Labcorp Genetics (formerly Invitae), Labcorp
Classification: Uncertain significance. Last evaluated: 2024-02-02. Review status: criteria provided, single submitter. Criteria: Invitae Variant Classification Sherloc (09022015). Collection method: clinical testing. Allele origin: germline.
Comment: This sequence change affects an acceptor splice site in intron 31 of the FN1 gene. It is expected to disrupt RNA splicing. Variants that disrupt the donor or acceptor splice site typically lead to a loss of protein function (PMID: 16199547), however the current clinical and genetic evidence is not sufficient to establish whether loss-of-function variants in FN1 cause disease. This variant is present in population databases (no rsID available, gnomAD 0.0009%). This variant has not been reported in the literature in individuals affected with FN1-related conditions. Algorithms developed to predict the effect of sequence changes on RNA splicing suggest that this variant may disrupt the consensus splice site. In summary, the available evidence is currently insufficient to determine the role of this variant in disease. Therefore, it has been classified as a Variant of Uncertain Significance.

Literature cited by the submitters: PubMed 16199547.